The following is an entry in ClinVar:

ClinVar aggregate classification (germline): Likely benign. Review status: criteria provided, multiple submitters, no conflicts (2 of 4 stars). 2 submissions from 2 submitters: Likely benign (2). Last evaluated 2025-12-03.

Conditions:
TTN-related disorder. Also called: TTN-related condition; TTN-related disease; TTN-related disorders.
Autosomal recessive limb-girdle muscular dystrophy type 2J (LGMDR10). Also called: Limb-girdle muscular dystrophy, type 2J; MUSCULAR DYSTROPHY, LIMB-GIRDLE, AUTOSOMAL RECESSIVE 10. Identifiers: Orphanet 140922, MedGen C1837342, MONDO:0012127, OMIM 608807.
Dilated cardiomyopathy 1G (CMD1G). Identifiers: Orphanet 154, MedGen C1858763, MONDO:0011400, OMIM 604145.

Allele frequency attached by ClinVar (database versions not stated): gnomAD exomes below 0.00001 and 0.00002; ExAC 0.00003; TOPMed 0.00003; gnomAD 0.00004.
gnomAD v4.1: 7 of 1,613,624 alleles (0.00043%); highest among the groups gnomAD compares: African/African-American, 0.0093%; no homozygotes.

Submissions (2):

PreventionGenetics, part of Exact Sciences
Classification: Likely benign for TTN-related condition. Last evaluated: 2025-12-03. Review status: criteria provided, single submitter. Criteria: ACMG Guidelines, 2015. Collection method: clinical testing. Allele origin: germline.
Comment: This variant is classified as likely benign based on ACMG/AMP sequence variant interpretation guidelines (Richards et al. 2015 PMID: 25741868, with internal and published modifications).

Labcorp Genetics (formerly Invitae), Labcorp
Classification: Likely benign for Dilated cardiomyopathy 1G; Autosomal recessive limb-girdle muscular dystrophy type 2J. Last evaluated: 2025-10-13. Review status: criteria provided, single submitter. Criteria: Invitae Variant Classification Sherloc (09022015). Collection method: clinical testing. Allele origin: germline.

NM_001267550.2(TTN):c.24954T>C (p.Val8318=)

Gene: TTN (titin; minus strand). Cytogenetic location: 2q31.2.
Variant type: single nucleotide variant.
Coding change: c.24954T>C on transcript NM_001267550.2 (MANE Select); coding-DNA position 24954, T replaced by C.
Protein change: p.Val8318=; no amino-acid change (valine 8318 retained).
Molecular consequence: synonymous variant. On other transcripts: intron variant (3).
Genome position (GRCh38, 1-based): chr2:178,718,052, A>G on the plus strand (T>C on the coding strand, the complement: TTN is on the minus strand). VCF-style: chr2-178718052-A-G. GRCh37 (hg19) VCF-style: chr2-179582779-A-G.
Other names: c.24003T>C, p.Val8001= (NM_001256850.1); c.21222T>C, p.Val7074= (NM_133378.4); c.13282+20030T>C (NM_003319.4); c.13858+20030T>C (NM_133437.4); c.13657+20030T>C (NM_133432.3).
Identifiers: ClinVar variation 699322 (VCV000699322.12), dbSNP rs766971704, ClinGen allele CA2000314.